The following is an entry in ClinVar:

NM_001045.6(SLC6A4):c.1090A>G (p.Thr364Ala)

Genes: SLC6A4 (solute carrier family 6 member 4; minus strand), LOC130060631 (ATAC-STARR-seq lymphoblastoid active region 11991; plus strand). Cytogenetic location: 17q11.2.
Variant type: single nucleotide variant.
Coding change: c.1090A>G on transcript NM_001045.6 (MANE Select); coding-DNA position 1090, A replaced by G.
Protein change: p.Thr364Ala; replaces threonine 364 with alanine.
Molecular consequence: missense variant.
Genome position (GRCh38, 1-based): chr17:30,212,854, T>C on the plus strand (A>G on the coding strand, the complement: SLC6A4 is on the minus strand). VCF-style: chr17-30212854-T-C. GRCh37 (hg19) VCF-style: chr17-28539872-T-C.
Other names: short protein forms T364A.
Identifiers: ClinVar variation 4169037 (VCV004169037.3).

ClinVar aggregate classification (germline): Uncertain significance. Review status: criteria provided, multiple submitters, no conflicts (2 of 4 stars). 2 submissions from 2 submitters: Uncertain significance (2). Last evaluated 2026-01-30.

gnomAD v4.1: 1 of 1,614,044 alleles (0.000062%); highest among the groups gnomAD compares: Admixed American, 0.0017%; no homozygotes.

Submissions (2):

Dasa
Classification: Uncertain significance. Last evaluated: 2026-01-30. Review status: criteria provided, single submitter. Criteria: DASA Assertion Criteria. Collection method: clinical testing. Allele origin: germline.
Comment: NM_001045.6(SLC6A4):c.1090A>G (p.Thr364Ala) is a missense variant that results in the substitution of threonine with alanine. This variant is rare in population databases. Computational prediction algorithms are consistent with a deleterious effect. The currently available literature and clinical evidence are not sufficient to establish a definitive association between this variant and the reported condition. Therefore, this variant is classified as a variant of uncertain significance.

Ambry Genetics
Classification: Uncertain significance. Last evaluated: 2025-08-31. Review status: criteria provided, single submitter. Criteria: Ambry Variant Classification Scheme 2023. Collection method: clinical testing. Allele origin: germline.